The following is an entry in ClinVar:

NM_021008.4(DEAF1):c.277G>A (p.Ala93Thr)

Gene: DEAF1 (DEAF1 transcription factor; minus strand). Cytogenetic location: 11p15.5.
Variant type: single nucleotide variant.
Coding change: c.277G>A on transcript NM_021008.4 (MANE Select); coding-DNA position 277, G replaced by A.
Protein change: p.Ala93Thr; replaces alanine 93 with threonine.
Molecular consequence: missense variant. On other transcripts: intron variant (1).
Genome position (GRCh38, 1-based): chr11:694,771, C>T on the plus strand (G>A on the coding strand, the complement: DEAF1 is on the minus strand). VCF-style: chr11-694771-C-T. GRCh37 (hg19) VCF-style: chr11-694771-C-T.
Other names: c.277G>A, p.Ala93Thr (NM_001293634.2); c.-437-3173G>A (NM_001367390.1); short protein forms A93T.
Identifiers: ClinVar variation 2500455 (VCV002500455.2), dbSNP rs927502526, ClinGen allele CA216910726.

ClinVar aggregate classification (germline): Uncertain significance (1 of 4 stars; one submission).

gnomAD v4.1: 3 of 1,310,114 alleles (0.00023%); highest among the groups gnomAD compares: South Asian, 0.0044%; no homozygotes.

Submission:

GeneDx
Classification: Uncertain significance. Last evaluated: 2024-06-06. Review status: criteria provided, single submitter. Criteria: GeneDx Variant Classification Process June 2021. Collection method: clinical testing. Allele origin: germline.
Comment: Not observed at significant frequency in large population cohorts (gnomAD); In silico analysis indicates that this missense variant does not alter protein structure/function; Has not been previously published as pathogenic or benign to our knowledge